The following is an entry in ClinVar:

ClinVar aggregate classification (germline): Uncertain significance (1 of 4 stars; one submission).

Allele frequency attached by ClinVar (database versions not stated): gnomAD exomes below 0.00001.
gnomAD v4.1: 1 of 1,614,142 alleles (0.000062%); highest among the groups gnomAD compares: South Asian, 0.0011%; no homozygotes.

Submission:

Women's Health and Genetics/Laboratory Corporation of America, LabCorp
Classification: Uncertain significance. Last evaluated: 2022-06-06. Review status: criteria provided, single submitter. Criteria: LabCorp Variant Classification Summary - May 2015. Collection method: clinical testing. Allele origin: germline.
Comment: Variant summary: KMT2A c.9953G>C (p.Gly3318Ala) results in a non-conservative amino acid change in the encoded protein sequence. Three of five in-silico tools predict a damaging effect of the variant on protein function. The variant was absent in 251468 control chromosomes (gnomAD). The available data on variant occurrences in the general population are insufficient to allow any conclusion about variant significance. To our knowledge, no occurrence of c.9953G>C in individuals affected with Wiedemann-Steiner Syndrome and no experimental evidence demonstrating its impact on protein function have been reported. No clinical diagnostic laboratories have submitted clinical-significance assessments for this variant to ClinVar after 2014. Based on the evidence outlined above, the variant was classified as uncertain significance.

NM_001197104.2(KMT2A):c.9953G>C (p.Gly3318Ala)

Gene: KMT2A (lysine methyltransferase 2A; plus strand). Cytogenetic location: 11q23.3.
Variant type: single nucleotide variant.
Coding change: c.9953G>C on transcript NM_001197104.2 (MANE Select); coding-DNA position 9953, G replaced by C.
Protein change: p.Gly3318Ala; replaces glycine 3318 with alanine.
Molecular consequence: missense variant.
Genome position (GRCh38, 1-based): chr11:118,505,845, G>C. VCF-style: chr11-118505845-G-C. GRCh37 (hg19) VCF-style: chr11-118376560-G-C.
Other names: c.9944G>C, p.Gly3315Ala (NM_005933.4); short protein forms G3315A, G3318A.
Identifiers: ClinVar variation 1698487 (VCV001698487.1), dbSNP rs1950572153, ClinGen allele CA382822339.
Genomic context (GRCh38, chr11:118,505,845, plus strand): 5'-ATTTTGAACCGGCACCCCTGTTACCACAGAGTGTGGGAGGAACTGCTGCCACAGCGGCAG[G>C]CACATCAACAATAAGCCAGGATACTAGCCACCTCACATCAGGGTCTGTGTCTGGCTTGGC-3'
Protein context (NP_001184033.1, residues 3308-3328): SVGGTAATAA[Gly3318Ala]TSTISQDTSH